The following is an entry in ClinVar:

NM_001122681.2(SH3BP2):c.1407-92G>A

Gene: SH3BP2 (SH3 domain binding protein 2; plus strand). Cytogenetic location: 4p16.3.
Variant type: single nucleotide variant.
Coding change: c.1407-92G>A on transcript NM_001122681.2 (MANE Select); 92 bases into the intron before coding-DNA position 1407, G replaced by A.
Molecular consequence: intron variant.
Genome position (GRCh38, 1-based): chr4:2,832,239, G>A. VCF-style: chr4-2832239-G-A. GRCh37 (hg19) VCF-style: chr4-2833966-G-A.
Other names: c.1491-92G>A (NM_001145855.2); c.1578-92G>A (NM_001145856.2); c.1407-92G>A (NM_003023.4).
Identifiers: ClinVar variation 1294939 (VCV001294939.5), dbSNP rs231396, ClinGen allele CA11632712.

ClinVar aggregate classification (germline): Benign. Review status: criteria provided, multiple submitters, no conflicts (2 of 4 stars). 3 submissions from 3 submitters: Benign (3). Last evaluated 2023-11-12.

Allele frequency attached by ClinVar (database versions not stated): 1000 Genomes Project 30x 0.33385; gnomAD 0.33445 and 0.34270; 1000 Genomes Project 0.34385; gnomAD exomes 0.41523.
gnomAD v4.1: 478,487 of 1,180,528 alleles (41%); highest among the groups gnomAD compares: Admixed American, 49%; 101,127 homozygotes.

Submissions (3):

Unidad de Genómica Garrahan, Hospital de Pediatría Garrahan
Classification: Benign. Last evaluated: 2023-11-12. Review status: criteria provided, single submitter. Criteria: ACMG Guidelines, 2015. Collection method: clinical testing. Allele origin: germline. Affected: no. Observed: 61 variant alleles.
Comment: This variant is classified as Benign based on local population frequency. This variant was detected in 64% of patients studied by a panel of primary immunodeficiencies. Number of patients: 61. Only high quality variants are reported.

GeneDx
Classification: Benign. Last evaluated: 2021-05-15. Review status: criteria provided, single submitter. Criteria: GeneDx Variant Classification Process June 2021. Collection method: clinical testing. Allele origin: germline. Affected: yes.

Breakthrough Genomics
Classification: Benign. Review status: criteria provided, single submitter. Criteria: ACMG Guidelines, 2015. Collection method: not provided. Allele origin: germline. Inheritance: Autosomal dominant inheritance. Affected: yes.